The following is an entry in ClinVar:

ClinVar aggregate classification (germline): Likely pathogenic (1 of 4 stars; one submission).

Conditions:
Neurodevelopmental disorder with hypotonia, neuropathy, and deafness (NEDHND). Also called: SPTBN4 Disorder; Myopathy, congenital, with neuropathy and deafness. Identifiers: MedGen C4479603, MONDO:0060496, OMIM 617519.

Submission:

Women's Health and Genetics/Laboratory Corporation of America, LabCorp
Classification: Likely pathogenic for Neurodevelopmental disorder with hypotonia, neuropathy, and deafness. Last evaluated: 2023-04-05. Review status: criteria provided, single submitter. Criteria: LabCorp Variant Classification Summary - May 2015. Collection method: clinical testing. Allele origin: germline.
Comment: Variant summary: SPTBN4 c.4960C>T (p.Gln1654X) results in a premature termination codon, predicted to cause a truncation of the encoded protein or absence of the protein due to nonsense mediated decay, which are commonly known mechanisms for disease. Truncations downstream of this position have been classified as pathogenic in ClinVar database. The variant was absent in 111928 control chromosomes (gnomAD). To our knowledge, no occurrence of c.4960C>T in individuals affected with Neurodevelopmental Disorder With Hypotonia, Neuropathy, And Deafness and no experimental evidence demonstrating its impact on protein function have been reported. No clinical diagnostic laboratories have submitted clinical-significance assessments for this variant to ClinVar after 2014. Based on the evidence outlined above, the variant was classified as likely pathogenic.

NM_020971.3(SPTBN4):c.4960C>T (p.Gln1654Ter)

Gene: SPTBN4 (spectrin beta, non-erythrocytic 4; plus strand). Cytogenetic location: 19q13.2.
Variant type: single nucleotide variant.
Coding change: c.4960C>T on transcript NM_020971.3 (MANE Select); coding-DNA position 4960, C replaced by T.
Protein change: p.Gln1654Ter; replaces glutamine 1654 with a stop codon.
Molecular consequence: nonsense.
Genome position (GRCh38, 1-based): chr19:40,554,522, C>T. VCF-style: chr19-40554522-C-T. GRCh37 (hg19) VCF-style: chr19-41060428-C-T.
Other names: c.988C>T, p.Gln330Ter (NM_025213.3); c.4960C>T (NM_020971.2); short protein forms Q1654*, Q330*.
Identifiers: ClinVar variation 2503813 (VCV002503813.1), dbSNP rs2515176041, ClinGen allele CA405926508.